The following is an entry in ClinVar:

ClinVar aggregate classification (germline): Uncertain significance (1 of 4 stars; one submission).

Allele frequency attached by ClinVar (database versions not stated): gnomAD exomes 0.00001; gnomAD 0.00003; TOPMed 0.00005; ExAC 0.00013.

Submission:

Labcorp Genetics (formerly Invitae), Labcorp
Classification: Uncertain significance. Last evaluated: 2024-04-22. Review status: criteria provided, single submitter. Criteria: Invitae Variant Classification Sherloc (09022015). Collection method: clinical testing. Allele origin: germline.
Comment: This sequence change replaces valine, which is neutral and non-polar, with isoleucine, which is neutral and non-polar, at codon 686 of the CLCN7 protein (p.Val686Ile). The frequency data for this variant in the population databases is considered unreliable, as metrics indicate poor data quality at this position in the gnomAD database. This variant has not been reported in the literature in individuals affected with CLCN7-related conditions. ClinVar contains an entry for this variant (Variation ID: 2164341). An algorithm developed to predict the effect of missense changes on protein structure and function (PolyPhen-2) suggests that this variant is likely to be tolerated. In summary, the available evidence is currently insufficient to determine the role of this variant in disease. Therefore, it has been classified as a Variant of Uncertain Significance.

NM_001287.6(CLCN7):c.2056G>A (p.Val686Ile)

Gene: CLCN7 (chloride voltage-gated channel 7; minus strand). Cytogenetic location: 16p13.3.
Variant type: single nucleotide variant.
Coding change: c.2056G>A on transcript NM_001287.6 (MANE Select); coding-DNA position 2056, G replaced by A.
Protein change: p.Val686Ile; replaces valine 686 with isoleucine.
Molecular consequence: missense variant.
Genome position (GRCh38, 1-based): chr16:1,447,672, C>T on the plus strand (G>A on the coding strand, the complement: CLCN7 is on the minus strand). VCF-style: chr16-1447672-C-T. GRCh37 (hg19) VCF-style: chr16-1497673-C-T.
Other names: c.1984G>A, p.Val662Ile (NM_001114331.3); short protein forms V662I, V686I.
Identifiers: ClinVar variation 2164341 (VCV002164341.4), dbSNP rs750932924, ClinGen allele CA7809933.